The following is an entry in ClinVar:

NM_207122.2(EXT2):c.699T>G (p.Tyr233Ter)

Gene: EXT2 (exostosin glycosyltransferase 2; plus strand). Cytogenetic location: 11p11.2.
Variant type: single nucleotide variant.
Coding change: c.699T>G on transcript NM_207122.2 (MANE Select); coding-DNA position 699, T replaced by G.
Protein change: p.Tyr233Ter; replaces tyrosine 233 with a stop codon.
Molecular consequence: nonsense.
Genome position (GRCh38, 1-based): chr11:44,114,257, T>G. VCF-style: chr11-44114257-T-G. GRCh37 (hg19) VCF-style: chr11-44135807-T-G.
Other names: c.798T>G, p.Tyr266Ter (NM_000401.3); c.699T>G, p.Tyr233Ter (NM_001178083.3, NM_001389628.1, NM_001389630.1); short protein forms Y233*, Y266*.
Identifiers: ClinVar variation 848100 (VCV000848100.8), dbSNP rs1319747883, ClinGen allele CA380164641.
Genomic context (GRCh38, chr11:44,114,257, plus strand): 5'-TGGTGGCGGCTTTTCTACGTGGACTTACCGGCAAGGCTACGATGTCAGCATTCCTGTCTA[T>G]AGTCCACTGTCAGCTGAGGTGGATCTTCCAGAGAAAGGACCAGGGTAAGGTACATTCATC-3'

ClinVar aggregate classification (germline): Pathogenic (1 of 4 stars; one submission).

Conditions:
Exostoses, multiple, type 2 (EXT2). Also called: EXOSTOSES, MULTIPLE, TYPE II; Hereditary Multiple Osteochondromatosis, Type II. Identifiers: Orphanet 321, MedGen C1851413, MONDO:0007586, OMIM 133701.

Submission:

Labcorp Genetics (formerly Invitae), Labcorp
Classification: Pathogenic for Exostoses, multiple, type 2. Last evaluated: 2019-02-12. Review status: criteria provided, single submitter. Criteria: Invitae Variant Classification Sherloc (09022015). Collection method: clinical testing. Allele origin: germline.
Comment: For these reasons, this variant has been classified as Pathogenic. Loss-of-function variants in EXT2 are known to be pathogenic (PMID: 10679937, 19810120). Algorithms developed to predict the effect of sequence changes on RNA splicing suggest that this variant may create or strengthen a splice site, but this prediction has not been confirmed by published transcriptional studies. This variant has not been reported in the literature in individuals with EXT2-related conditions. This variant is not present in population databases (ExAC no frequency). This sequence change creates a premature translational stop signal (p.Tyr233*) in the EXT2 gene. It is expected to result in an absent or disrupted protein product.

Literature cited by the submitters: PubMed 10679937; PubMed 19810120.